The following is an entry in ClinVar:

ClinVar aggregate classification (germline): Conflicting classifications of pathogenicity. Review status: criteria provided, conflicting classifications (1 of 4 stars). 2 submissions from 2 submitters: Uncertain significance (1); Likely benign (1). Last evaluated 2025-07-21.

Conditions:
Hereditary cancer-predisposing syndrome. Also called: Hereditary neoplastic syndrome; Tumor predisposition; Hereditary Cancer Syndrome; Neoplastic Syndromes, Hereditary. Identifiers: Orphanet 140162, MedGen C0027672, MeSH D009386, MONDO:0015356.
POLD1-related polyposis and colorectal cancer syndrome (CRCS10). Also called: Colorectal cancer, susceptibility to, 10; Colorectal cancer 10; COLORECTAL CANCER, SUSCEPTIBILITY TO, ON CHROMOSOME 19q. Identifiers: Orphanet 220460, MedGen C2675481, MONDO:0012953, OMIM 612591.

Allele frequency attached by ClinVar (database versions not stated): TOPMed below 0.00001.

Submissions (2):

Labcorp Genetics (formerly Invitae), Labcorp
Classification: Uncertain significance for POLD1-related polyposis and colorectal cancer syndrome. Last evaluated: 2025-07-21. Review status: criteria provided, single submitter. Criteria: Invitae Variant Classification Sherloc (09022015). Collection method: clinical testing. Allele origin: germline.
Comment: This sequence change replaces glycine, which is neutral and non-polar, with arginine, which is basic and polar, at codon 20 of the POLD1 protein (p.Gly20Arg). This variant is not present in population databases (gnomAD no frequency). This variant has not been reported in the literature in individuals affected with POLD1-related conditions. ClinVar contains an entry for this variant (Variation ID: 646927). An algorithm developed to predict the effect of missense changes on protein structure and function outputs the following: PolyPhen-2: "Not Available". The arginine amino acid residue is found in multiple mammalian species, which suggests that this missense change does not adversely affect protein function. RNA analysis performed to evaluate the impact of this missense change on mRNA splicing indicates it does not significantly alter splicing (internal data). In summary, the available evidence is currently insufficient to determine the role of this variant in disease. Therefore, it has been classified as a Variant of Uncertain Significance.

Ambry Genetics
Classification: Likely benign for Hereditary cancer-predisposing syndrome. Last evaluated: 2025-02-06. Review status: criteria provided, single submitter. Criteria: Ambry Variant Classification Scheme 2023. Collection method: clinical testing. Allele origin: germline.

NM_002691.4(POLD1):c.58G>A (p.Gly20Arg)

Gene: POLD1 (DNA polymerase delta 1, catalytic subunit; plus strand). Cytogenetic location: 19q13.33.
Variant type: single nucleotide variant.
Coding change: c.58G>A on transcript NM_002691.4 (MANE Select); coding-DNA position 58, G replaced by A.
Protein change: p.Gly20Arg; replaces glycine 20 with arginine.
Molecular consequence: missense variant. On other transcripts: non-coding transcript variant (1).
Genome position (GRCh38, 1-based): chr19:50,398,909, G>A. VCF-style: chr19-50398909-G-A. GRCh37 (hg19) VCF-style: chr19-50902166-G-A.
Other names: c.58G>A, p.Gly20Arg (NM_001256849.1, NM_001308632.1); c.58G>A (NM_002691.2); short protein forms G20R.
Identifiers: ClinVar variation 646927 (VCV000646927.9), dbSNP rs1601188789, ClinGen allele CA406970056.